The following is an entry in ClinVar:

NM_024301.5(FKRP):c.835dup (p.Trp279fs)

Gene: FKRP (fukutin related protein; plus strand). Cytogenetic location: 19q13.32.
Variant type: Duplication.
Coding change: c.835dup on transcript NM_024301.5 (MANE Select); coding-DNA position 835, one base duplicated (T; older notation c.835dupT).
Protein change: p.Trp279fs; shifts the reading frame from tryptophan 279.
Molecular consequence: frameshift variant.
Genome position (GRCh38, 1-based): chr19:46,756,285, T duplicated. VCF-style (leftmost placement, unchanged base first): chr19-46756284-C-CT. GRCh37 (hg19) VCF-style: chr19-47259541-C-CT.
Other names: c.835dup, p.Trp279fs (NM_001039885.3); short protein forms W279fs.
Identifiers: ClinVar variation 2124462 (VCV002124462.4), dbSNP rs2513992968, ClinGen allele CA2580097440.

ClinVar aggregate classification (germline): Pathogenic (1 of 4 stars; one submission).

Conditions:
Walker-Warburg congenital muscular dystrophy. Also called: Muscular dystrophy-dystroglycanopathy, type A; Walker-Warburg syndrome. Identifiers: Orphanet 899, MedGen C0265221, MONDO:0000171.

Submission:

Labcorp Genetics (formerly Invitae), Labcorp
Classification: Pathogenic for Walker-Warburg congenital muscular dystrophy. Last evaluated: 2022-04-11. Review status: criteria provided, single submitter. Criteria: Invitae Variant Classification Sherloc (09022015). Collection method: clinical testing. Allele origin: germline.
Comment: This sequence change creates a premature translational stop signal (p.Trp279Leufs*111) in the FKRP gene. While this is not anticipated to result in nonsense mediated decay, it is expected to disrupt the last 217 amino acid(s) of the FKRP protein. This variant is not present in population databases (gnomAD no frequency). This variant has not been reported in the literature in individuals affected with FKRP-related conditions. This variant disrupts a region of the FKRP protein in which other variant(s) (p.Ile478Thr) have been determined to be pathogenic (PMID: 16476814, 18639457, 19299310). This suggests that this is a clinically significant region of the protein, and that variants that disrupt it are likely to be disease-causing. For these reasons, this variant has been classified as Pathogenic.

Literature cited by the submitters: PubMed 16476814; PubMed 18639457; PubMed 19299310.